The following is an entry in ClinVar:

ClinVar aggregate classification (germline): Uncertain significance (1 of 4 stars; one submission).

Conditions:
Hereditary diffuse gastric adenocarcinoma (HDGC). Also called: DIFFUSE GASTRIC AND LOBULAR BREAST CANCER SYNDROME. Identifiers: Orphanet 26106, MedGen C1708349, MONDO:0007648, OMIM 137215.

Allele frequency attached by ClinVar (database versions not stated): gnomAD exomes below 0.00001.
gnomAD v4.1: 1 of 1,548,442 alleles (0.000065%); no homozygotes.

Submission:

Labcorp Genetics (formerly Invitae), Labcorp
Classification: Uncertain significance for Hereditary diffuse gastric adenocarcinoma. Last evaluated: 2022-04-19. Review status: criteria provided, single submitter. Criteria: Invitae Variant Classification Sherloc (09022015). Collection method: clinical testing. Allele origin: germline.
Comment: In summary, the available evidence is currently insufficient to determine the role of this variant in disease. Therefore, it has been classified as a Variant of Uncertain Significance. Algorithms developed to predict the effect of missense changes on protein structure and function (SIFT, PolyPhen-2, Align-GVGD) all suggest that this variant is likely to be tolerated. This variant has not been reported in the literature in individuals affected with CDH1-related conditions. This variant is not present in population databases (gnomAD no frequency). This sequence change replaces valine, which is neutral and non-polar, with glycine, which is neutral and non-polar, at codon 51 of the CDH1 protein (p.Val51Gly).

NM_004360.5(CDH1):c.152T>G (p.Val51Gly)

Gene: CDH1 (cadherin 1; plus strand). Cytogenetic location: 16q22.1.
Variant type: single nucleotide variant.
Coding change: c.152T>G on transcript NM_004360.5 (MANE Select); coding-DNA position 152, T replaced by G.
Protein change: p.Val51Gly; replaces valine 51 with glycine.
Molecular consequence: missense variant. On other transcripts: 5 prime UTR variant (2).
Genome position (GRCh38, 1-based): chr16:68,738,400, T>G. VCF-style: chr16-68738400-T-G. GRCh37 (hg19) VCF-style: chr16-68772303-T-G.
Other names: c.152T>G, p.Val51Gly (NM_001317184.2); c.-1464T>G (NM_001317185.2); c.-1668T>G (NM_001317186.2); short protein forms V51G.
Identifiers: ClinVar variation 2128127 (VCV002128127.4), dbSNP rs2152114479, ClinGen allele CA396452291.
Genomic context (GRCh38, chr16:68,738,400, plus strand): 5'-GCTTTGACGCCGAGAGCTACACGTTCACGGTGCCCCGGCGCCACCTGGAGAGAGGCCGCG[T>G]CCTGGGCAGAGGTGAGGGCGCGCTGCCGGTGTCCCTGGGCGGAGTAGGGAGGGGTTGGAA-3'
Protein context (NP_004351.1, residues 41-61): VPRRHLERGR[Val51Gly]LGRVNFEDCT